The following is an entry in ClinVar:

ClinVar aggregate classification (germline): Benign (1 of 4 stars; one submission).

Conditions:
Lynch syndrome 5 (LYNCH5). Also called: Colorectal cancer, hereditary nonpolyposis, type 5; Hereditary non-polyposis colorectal cancer, type 5. Identifiers: Orphanet 144, MedGen C1833477, MONDO:0013710, OMIM 614350. Disease mechanism: loss of function.

Submission:

Myriad Genetics, Inc.
Classification: Benign for Lynch syndrome 5. Last evaluated: 2024-12-27. Review status: criteria provided, single submitter. Criteria: Myriad Autosomal Dominant, Autosomal Recessive and X-Linked Classification Criteria (2023). Collection method: clinical testing. Allele origin: unknown.
Comment: This variant is considered benign. This variant is a silent/synonymous amino acid change and it is not expected to impact splicing.

NM_000179.3(MSH6):c.1650T>A (p.Ser550=)

Gene: MSH6 (mutS homolog 6; plus strand). Cytogenetic location: 2p16.3.
Variant type: single nucleotide variant.
Coding change: c.1650T>A on transcript NM_000179.3 (MANE Select); coding-DNA position 1650, T replaced by A.
Protein change: p.Ser550=; no amino-acid change (serine 550 retained).
Molecular consequence: synonymous variant. On other transcripts: non-coding transcript variant (4), intron variant (2).
Genome position (GRCh38, 1-based): chr2:47,799,633, T>A. VCF-style: chr2-47799633-T-A. GRCh37 (hg19) VCF-style: chr2-48026772-T-A.
Other names: c.1260T>A, p.Ser420= (NM_001281492.2); c.744T>A, p.Ser248= (NM_001281493.2, NM_001281494.2, NM_001406811.1 and 6 more transcripts); c.1746T>A, p.Ser582= (NM_001406795.1, NM_001406802.1); c.1650T>A, p.Ser550= (NM_001406796.1, NM_001406798.1, NM_001406800.1 and 3 more transcripts); c.1353T>A, p.Ser451= (NM_001406797.1, NM_001406801.1, NM_001406805.1 and 10 more transcripts); c.1125T>A, p.Ser375= (NM_001406799.1, NM_001406806.1, NM_001406807.1); c.1572T>A, p.Ser524= (NM_001406804.1); c.1656T>A, p.Ser552= (NM_001406813.1); and 3 more.
Identifiers: ClinVar variation 3904072 (VCV003904072.1).